The following is an entry in ClinVar:

ClinVar aggregate classification (germline): Likely benign (0 of 4 stars; one submission).

Conditions:
SEMA6D-related disorder. Also called: SEMA6D-related condition.

Allele frequency attached by ClinVar (database versions not stated): ExAC 0.00044; 1000 Genomes Project 30x 0.00078; 1000 Genomes Project 0.00080; gnomAD 0.00132; TOPMed 0.00141; ESP Exome Variant Server 0.00169.
gnomAD v4.1: 402 of 1,613,998 alleles (0.025%); highest among the groups gnomAD compares: African/African-American, 0.47%; 1 homozygote.

Submission:

PreventionGenetics, part of Exact Sciences
Classification: Likely benign for SEMA6D-related condition. Last evaluated: 2019-12-24. Review status: no assertion criteria provided. Collection method: clinical testing. Allele origin: germline.
Comment: This variant is classified as likely benign based on ACMG/AMP sequence variant interpretation guidelines (Richards et al. 2015 PMID: 25741868, with internal and published modifications).

NM_001358351.3(SEMA6D):c.1119C>T (p.His373=)

Genes: SEMA6D (semaphorin 6D; plus strand), LOC126862120 (BRD4-independent group 4 enhancer GRCh37_chr15:48056535-48057734; plus strand). Cytogenetic location: 15q21.1.
Variant type: single nucleotide variant.
Coding change: c.1119C>T on transcript NM_001358351.3 (MANE Select); coding-DNA position 1119, C replaced by T.
Protein change: p.His373=; no amino-acid change (histidine 373 retained).
Molecular consequence: synonymous variant.
Genome position (GRCh38, 1-based): chr15:47,764,659, C>T. VCF-style: chr15-47764659-C-T. GRCh37 (hg19) VCF-style: chr15-48056856-C-T.
Other names: c.1119C>T, p.His373= (NM_001198999.2, NM_001358352.2, NM_020858.2 and 5 more transcripts).
Identifiers: ClinVar variation 3048294 (VCV003048294.2), dbSNP rs142096314, ClinGen allele CA7545197.
Genomic context (GRCh38, chr15:47,764,659, plus strand): 5'-GGCAGCCGAGAGCATAAAATAACGCTGTTTTCCTTTCAGGCCTGGCTGTTGTGCAAAACA[C>T]GGCCTTGCCGAAGCTTATAAAACCTCCATCGATTTCCCGGATGAAACTCTGTCATTCATC-3'
Protein context (NP_001345280.1, residues 363-383): PKPRPGCCAK[His373=]GLAEAYKTSI